The following is an entry in ClinVar:

ClinVar aggregate classification (germline): Uncertain significance (1 of 4 stars; one submission).

Submission:

GeneDx
Classification: Uncertain significance. Last evaluated: 2021-01-06. Review status: criteria provided, single submitter. Criteria: GeneDx Variant Classification Process June 2021. Collection method: clinical testing. Allele origin: germline. Affected: yes.
Comment: Not observed in large population cohorts (Lek et al., 2016); In silico analysis supports that this missense variant has a deleterious effect on protein structure/function; Has not been previously published as pathogenic or benign to our knowledge; Although located in a calcium-binding EGF-like domain of the FBN2 gene, it does not affect a cysteine residue within this domain; cysteine substitutions in the calcium-binding EGF-like domains represent the majority of pathogenic missense changes associated with FBN2-related disorders (Frederic et al., 2009).

NM_001999.4(FBN2):c.1832A>C (p.Asp611Ala)

Gene: FBN2 (fibrillin 2; minus strand). Cytogenetic location: 5q23.3.
Variant type: single nucleotide variant.
Coding change: c.1832A>C on transcript NM_001999.4 (MANE Select); coding-DNA position 1832, A replaced by C.
Protein change: p.Asp611Ala; replaces aspartic acid 611 with alanine.
Molecular consequence: missense variant.
Genome position (GRCh38, 1-based): chr5:128,377,769, T>G on the plus strand (A>C on the coding strand, the complement: FBN2 is on the minus strand). VCF-style: chr5-128377769-T-G. GRCh37 (hg19) VCF-style: chr5-127713462-T-G.
Other names: short protein forms D611A.
Identifiers: ClinVar variation 1313806 (VCV001313806.2), dbSNP rs1752118700, ClinGen allele CA360742434.